The following is an entry in ClinVar:

ClinVar aggregate classification (germline): Benign. Review status: criteria provided, multiple submitters, no conflicts (2 of 4 stars). 3 submissions from 3 submitters: Benign (3). Last evaluated 2019-08-06.

Conditions:
Congenital generalized lipodystrophy type 4. Also called: BERARDINELLI-SEIP CONGENITAL LIPODYSTROPHY, TYPE 4, WITH MUSCULAR DYSTROPHY. Identifiers: Orphanet 228429, MedGen C2750069, MONDO:0013225, OMIM 613327.

Allele frequency attached by ClinVar (database versions not stated): TOPMed 0.83656; gnomAD 0.83659 and 0.84434; 1000 Genomes Project 0.86002; gnomAD exomes 0.91643.
gnomAD v4.1: 415,168 of 465,006 alleles (89%); highest among the groups gnomAD compares: East Asian, 99%; 186,944 homozygotes.

Submissions (3):

GeneDx
Classification: Benign. Last evaluated: 2019-08-06. Review status: criteria provided, single submitter. Criteria: GeneDx Variant Classification Process June 2021. Collection method: clinical testing. Allele origin: germline. Affected: yes.

Illumina Laboratory Services, Illumina
Classification: Benign for Congenital generalized lipodystrophy type 4. Last evaluated: 2017-04-27. Review status: criteria provided, single submitter. Criteria: ICSL Variant Classification Criteria 13 December 2019. Collection method: clinical testing. Allele origin: germline.
Comment: This variant was observed as part of a predisposition screen in an ostensibly healthy population. A literature search was performed for the gene, cDNA change, and amino acid change (where applicable). No publications were found based on this search. Allele frequency data from public databases was too high to be consistent with this variant causing disease. Therefore, this variant is classified as benign.

Breakthrough Genomics
Classification: Benign. Review status: criteria provided, single submitter. Criteria: ACMG Guidelines, 2015. Collection method: not provided. Allele origin: germline. Inheritance: Autosomal recessive inheritance. Affected: yes.

NM_012232.6(CAVIN1):c.*190A>G

Gene: CAVIN1 (caveolae associated protein 1; minus strand). Cytogenetic location: 17q21.2.
Variant type: single nucleotide variant.
Coding change: c.*190A>G on transcript NM_012232.6 (MANE Select); 190 bases downstream of the stop codon, A replaced by G.
Molecular consequence: 3 prime UTR variant.
Genome position (GRCh38, 1-based): chr17:42,404,497, T>C on the plus strand (A>G on the coding strand, the complement: CAVIN1 is on the minus strand). VCF-style: chr17-42404497-T-C. GRCh37 (hg19) VCF-style: chr17-40556515-T-C.
Identifiers: ClinVar variation 323275 (VCV000323275.8), dbSNP rs7207285, ClinGen allele CA10649270.